The following is an entry in ClinVar:

ClinVar aggregate classification (germline): Uncertain significance (1 of 4 stars; one submission).

Conditions:
Hereditary cancer-predisposing syndrome. Also called: Neoplastic Syndromes, Hereditary; Tumor predisposition; Hereditary Cancer Syndrome; Hereditary neoplastic syndrome. Identifiers: Orphanet 140162, MedGen C0027672, MeSH D009386, MONDO:0015356.

Submission:

Ambry Genetics
Classification: Uncertain significance for Hereditary cancer-predisposing syndrome. Last evaluated: 2022-05-14. Review status: criteria provided, single submitter. Criteria: Ambry Variant Classification Scheme 2023. Collection method: clinical testing. Allele origin: germline.
Comment: The p.A264V variant (also known as c.791C>T), located in coding exon 8 of the RB1 gene, results from a C to T substitution at nucleotide position 791. The alanine at codon 264 is replaced by valine, an amino acid with similar properties. This amino acid position is conserved. In addition, this alteration is predicted to be tolerated by in silico analysis. Since supporting evidence is limited at this time, the clinical significance of this alteration remains unclear.

NM_000321.3(RB1):c.791C>T (p.Ala264Val)

Gene: RB1 (RB transcriptional corepressor 1; plus strand). Cytogenetic location: 13q14.2.
Variant type: single nucleotide variant.
Coding change: c.791C>T on transcript NM_000321.3 (MANE Select); coding-DNA position 791, C replaced by T.
Protein change: p.Ala264Val; replaces alanine 264 with valine.
Molecular consequence: missense variant.
Genome position (GRCh38, 1-based): chr13:48,362,887, C>T. VCF-style: chr13-48362887-C-T. GRCh37 (hg19) VCF-style: chr13-48937023-C-T.
Other names: c.791C>T, p.Ala264Val (NM_001407165.1, NM_001407166.1); short protein forms A264V.
Identifiers: ClinVar variation 1761217 (VCV001761217.2), dbSNP rs2542182154, ClinGen allele CA388159449.